The following is an entry in ClinVar:

ClinVar aggregate classification (germline): Pathogenic/Likely pathogenic. Review status: criteria provided, multiple submitters, no conflicts (2 of 4 stars). 11 submissions from 11 submitters: Pathogenic (6); Likely pathogenic (4). 1 of the submissions does not count toward it. Last evaluated 2026-09-29.

Conditions:
Autosomal recessive GMPPB-related disorders.
Muscular dystrophy-dystroglycanopathy. Also called: Congenital muscular dystrophy due to dystroglycanopathy. Identifiers: Orphanet 370953, MedGen C5679911, MONDO:0018276.
GMPPB-related disorder. Also called: GMPPB-related disorders; GMPPB-related condition.
Autosomal recessive limb-girdle muscular dystrophy type 2T. Also called: MUSCULAR DYSTROPHY, LIMB-GIRDLE, TYPE 2T; Muscular dystrophy-dystroglycanopathy (limb-girdle), type c, 14; Limb-girdle muscular dystrophy-dystroglycanopathy, type C14; MUSCULAR DYSTROPHY-DYSTROGLYCANOPATHY, LIMB-GIRDLE, GMPPB-RELATED. Identifiers: Orphanet 363623, MedGen C4518000, MONDO:0014142, OMIM 615352.
Muscular dystrophy-dystroglycanopathy (congenital with brain and eye anomalies), type A14. Also called: Muscular dystrophy-dystroglycanopathy (congenital with brain and eye anomalies), type a, 14; Congenital Muscular Dystrophy-Dystroglycanopathy with Brain and Eye Anomalies Type A 14; Congenital muscular dystrophy-dystroglycanopathy with brain and eye anomalies, type A14; WALKER-WARBURG SYNDROME OR MUSCLE-EYE-BRAIN DISEASE, GMPPB-RELATED. Identifiers: Orphanet 588, MedGen C3809216, MONDO:0014140, OMIM 615350.
Muscular dystrophy-dystroglycanopathy (congenital with impaired intellectual development), type B, 14. Also called: Muscular dystrophy-dystroglycanopathy (congenital with intellectual disability), type B14; Congenital muscular dystrophy-dystroglycanopathy with mental retardation, type B14; MUSCULAR DYSTROPHY, CONGENITAL, GMPPB-RELATED. Identifiers: MedGen C3809221, MONDO:0014141, OMIM 615351.
Inborn genetic diseases. Identifiers: MedGen C0950123, MeSH D030342.

Allele frequency attached by ClinVar (database versions not stated): gnomAD exomes 0.00011 and 0.00006; TOPMed 0.00003; gnomAD 0.00005; ExAC 0.00007.

Submissions (11):

GeneDx
Classification: Pathogenic. Last evaluated: 2026-09-29. Review status: criteria provided, single submitter. Criteria: GeneDx Variant Classification Process June 2021. Collection method: clinical testing. Allele origin: germline.
Comment: Published functional studies demonstrate a damaging effect, as V357I (also known as V330I in an alternative transcript) causes mislocalization and aggregation of the GMPPB protein in the cytoplasm of cultured myoblasts (PMID: 23768512); Not observed at significant frequency in large population cohorts (gnomAD); In silico analysis suggests that this missense variant does not alter protein structure/function; This variant is associated with the following publications: (PMID: 28456886, 26310427, 29437916, 34440373, 33060286, 30257713, 23768512, 36833299, 27766311, 41554119, 40571342)

Ambry Genetics
Classification: Pathogenic for Inborn genetic diseases. Last evaluated: 2026-05-21. Review status: criteria provided, single submitter. Criteria: Ambry Variant Classification Scheme 2023. Collection method: clinical testing. Allele origin: germline.
Comment: The c.1069G>A (p.V357I) alteration is located in exon 8 (coding exon 8) of the GMPPB gene. This alteration results from a G to A substitution at nucleotide position 1069, causing the valine (V) at amino acid position 357 to be replaced by an isoleucine (I). Based on data from gnomAD, the A allele has an overall frequency of 0.006% (17/282554) total alleles studied. The highest observed frequency was 0.0101% (13/129084) of European (non-Finnish) alleles. This variant has been identified in the homozygous state and/or in conjunction with other GMPPB variants in individuals with features consistent with GMPPB-related dystroglycanopathies; in at least one instance, the variants were identified in trans (Carss, 2013; Jensen, 2015; Astrea, 2018; Sarkozy, 2018; Ravenscroft, 2021). This amino acid position is highly conserved in available vertebrate species. The in silico prediction for this alteration is inconclusive. Based on the available evidence, this alteration is classified as pathogenic.

Labcorp Genetics (formerly Invitae), Labcorp
Classification: Pathogenic for Autosomal recessive limb-girdle muscular dystrophy type 2T; Muscular dystrophy-dystroglycanopathy (congenital with brain and eye anomalies), type A14; Muscular dystrophy-dystroglycanopathy (congenital with impaired intellectual development), type B, 14. Last evaluated: 2025-12-24. Review status: criteria provided, single submitter. Criteria: Invitae Variant Classification Sherloc (09022015). Collection method: clinical testing. Allele origin: germline.
Comment: This sequence change replaces valine, which is neutral and non-polar, with isoleucine, which is neutral and non-polar, at codon 330 of the GMPPB protein (p.Val330Ile). This variant is present in population databases (rs199922550, gnomAD 0.01%). This missense change has been observed in individuals with limb-girdle muscular dystrophy (PMID: 23768512, 26310427, 27766311, 29437916, 30257713). This variant is also known as c.1069G>A (p.Val357Ile). ClinVar contains an entry for this variant (Variation ID: 60547). Invitae Evidence Modeling of protein sequence and biophysical properties (such as structural, functional, and spatial information, amino acid conservation, physicochemical variation, residue mobility, and thermodynamic stability) indicates that this missense variant is not expected to disrupt GMPPB protein function with a negative predictive value of 80%. Experimental studies have shown that this missense change affects GMPPB function (PMID: 23768512). For these reasons, this variant has been classified as Pathogenic.

Variantyx, Inc.
Classification: Likely pathogenic for Autosomal recessive GMPPB-related disorders. Last evaluated: 2025-03-19. Review status: criteria provided, single submitter. Criteria: Variantyx Assertion Criteria 2022. Collection method: clinical testing. Allele origin: germline.
Comment: This is a nonsynonymous variant in the GMPPB gene (OMIM: 615320). Pathogenic variants in this gene have been associated with autosomal recessive GMPPB-related disorders. This variant has been identified in the homozygous or compound heterozygous state in at least 5 individual(s) from the published literature (PMID: 23768512, 26310427, 30257713, 34440373, 33060286) (PM3_Strong). Functional studies have shown that this variant alters GMPPB protein function (PMID: 23768512) (PS3_Supporting). This variant has a 0.0129% maximum allele frequency in non-founder control populations (PM2_Supporting). Computational algorithms produce conflicting evidence regarding the predicted functional impact of this variant (REVEL score: 0.601). Based on the current evidence, this variant is classified as likely pathogenic for autosomal recessive GMPPB-related disorders.

Blueprint Genetics
Classification: Pathogenic for GMPPB-related disorders. Last evaluated: 2024-11-21. Review status: criteria provided, single submitter. Criteria: ACMG Guidelines, 2015. Collection method: clinical testing. Allele origin: germline. Affected: yes. Observed: 5 variant alleles.

CeGaT Center for Human Genetics Tuebingen
Classification: Pathogenic. Last evaluated: 2022-08-01. Review status: criteria provided, single submitter. Criteria: CeGaT Center For Human Genetics Tuebingen Variant Classification Criteria Version 2. Collection method: clinical testing. Allele origin: germline. Affected: yes. Observed: 2 variant alleles.
Comment: GMPPB: PM3:Very Strong, PM2

MGZ Medical Genetics Center
Classification: Likely pathogenic for Autosomal recessive limb-girdle muscular dystrophy type 2T. Last evaluated: 2022-07-15. Review status: criteria provided, single submitter. Criteria: ACMG Guidelines, 2015. Collection method: clinical testing. Allele origin: germline. Affected: yes. Observed: 1 variant allele.
Comment: ACMG criteria applied: PM3_STR, PS4_MOD, PM2_SUP, PP1, PP3

Baylor Genetics
Classification: Likely pathogenic for Muscular dystrophy-dystroglycanopathy (congenital with brain and eye anomalies), type A14. Last evaluated: 2020-11-20. Review status: criteria provided, single submitter. Criteria: ACMG Guidelines, 2015. Collection method: clinical testing. Allele origin: unknown. Affected: yes.
Comment: This variant was determined to be likely pathogenic according to ACMG Guidelines, 2015 [PMID:25741868].

Revvity Omics, Revvity
Classification: Pathogenic. Last evaluated: 2019-12-16. Review status: criteria provided, single submitter. Criteria: ACMG Guidelines, 2015. Collection method: clinical testing. Allele origin: germline.

Genetic Services Laboratory, University of Chicago
Classification: Likely pathogenic for Muscular dystrophy-dystroglycanopathy. Last evaluated: 2016-07-18. Review status: criteria provided, single submitter. Criteria: ACMG Guidelines, 2015. Collection method: clinical testing. Allele origin: germline. Affected: yes.

OMIM
Classification: Pathogenic for MUSCULAR DYSTROPHY-DYSTROGLYCANOPATHY (LIMB-GIRDLE), TYPE C, 14. Last evaluated: 2013-07-11. Review status: no assertion criteria provided. Collection method: literature only. Allele origin: germline. Not counted in ClinVar's aggregate classification.

Literature cited by the submitters: PubMed 23768512 (cited by 3 submitters); PubMed 26310427 (cited by Ambry Genetics and Labcorp Genetics (formerly Invitae), Labcorp); PubMed 29437916 (cited by Ambry Genetics and Labcorp Genetics (formerly Invitae), Labcorp); PubMed 30257713 (cited by Ambry Genetics and Labcorp Genetics (formerly Invitae), Labcorp); PubMed 33060286 (cited by Ambry Genetics); PubMed 27766311 (cited by Labcorp Genetics (formerly Invitae), Labcorp).

NM_021971.4(GMPPB):c.988G>A (p.Val330Ile)

Gene: GMPPB (GDP-mannose pyrophosphorylase B; minus strand). Cytogenetic location: 3p21.31.
Variant type: single nucleotide variant.
Coding change: c.988G>A on transcript NM_021971.4 (MANE Select); coding-DNA position 988, G replaced by A.
Protein change: p.Val330Ile; replaces valine 330 with isoleucine.
Molecular consequence: missense variant.
Genome position (GRCh38, 1-based): chr3:49,721,847, C>T on the plus strand (G>A on the coding strand, the complement: GMPPB is on the minus strand). VCF-style: chr3-49721847-C-T. GRCh37 (hg19) VCF-style: chr3-49759280-C-T.
Other names: c.1069G>A, p.Val357Ile (NM_013334.4); short protein forms V330I, V357I.
Identifiers: ClinVar variation 60547 (VCV000060547.54), dbSNP rs199922550, ClinGen allele CA144570.
Genomic context (GRCh38, chr3:49,721,847, plus strand): 5'-CAATAGACTTGTGGGGCAGCACGCTGGCTCCGTTGAGGTAGAGCTCATCATTAACTATGA[C>T]GTCCTCACCCAGCACTGTCACGTTCTCCATGCGTACCTCCAGGAGAGGATAGGCCTTGTC-3'
Protein context (NP_068806.2, residues 320-340): MENVTVLGED[Val330Ile]IVNDELYLNG